The following is an entry in ClinVar:

ClinVar aggregate classification (germline): Uncertain significance (1 of 4 stars; one submission).

Conditions:
Developmental and epileptic encephalopathy, 36 (DEE36). Also called: ALG13-CDG; Congenital disorder of glycosylation, type Is; Epileptic encephalopathy, early infantile, 36. Identifiers: Orphanet 324422, MedGen C4317295, MONDO:0010472, OMIM 300884.

gnomAD v4.1: 11 of 1,180,172 alleles (0.00093%); highest among the groups gnomAD compares: Non-Finnish European, 0.0013%; no homozygotes.

Submission:

Labcorp Genetics (formerly Invitae), Labcorp
Classification: Uncertain significance for Developmental and epileptic encephalopathy, 36. Last evaluated: 2025-04-14. Review status: criteria provided, single submitter. Criteria: Invitae Variant Classification Sherloc (09022015). Collection method: clinical testing. Allele origin: germline.
Comment: This sequence change replaces asparagine, which is neutral and polar, with aspartic acid, which is acidic and polar, at codon 416 of the ALG13 protein (p.Asn416Asp). This variant is not present in population databases (gnomAD no frequency). This variant has not been reported in the literature in individuals affected with ALG13-related conditions. ClinVar contains an entry for this variant (Variation ID: 3669953). Invitae Evidence Modeling of protein sequence and biophysical properties (such as structural, functional, and spatial information, amino acid conservation, physicochemical variation, residue mobility, and thermodynamic stability) indicates that this missense variant is not expected to disrupt ALG13 protein function with a negative predictive value of 95%. In summary, the available evidence is currently insufficient to determine the role of this variant in disease. Therefore, it has been classified as a Variant of Uncertain Significance.

NM_001099922.3(ALG13):c.1246A>G (p.Asn416Asp)

Gene: ALG13 (ALG13 UDP-N-acetylglucosaminyltransferase subunit; plus strand). Cytogenetic location: Xq23.
Variant type: single nucleotide variant.
Coding change: c.1246A>G on transcript NM_001099922.3 (MANE Select); coding-DNA position 1246, A replaced by G.
Protein change: p.Asn416Asp; replaces asparagine 416 with aspartic acid.
Molecular consequence: missense variant. On other transcripts: non-coding transcript variant (1).
Genome position (GRCh38, 1-based): chrX:111,718,270, A>G. VCF-style: chrX-111718270-A-G. GRCh37 (hg19) VCF-style: chrX-110961498-A-G.
Other names: c.934A>G, p.Asn312Asp (NM_001257230.2, NM_001257234.2, NM_001257237.2 and 1 more transcripts); c.1012A>G, p.Asn338Asp (NM_001257231.2); c.1246A>G, p.Asn416Asp (NM_001324292.2); short protein forms N312D, N416D, N338D.
Identifiers: ClinVar variation 3669953 (VCV003669953.2).